The following is an entry in ClinVar:

ClinVar aggregate classification (germline): Uncertain significance. Review status: criteria provided, multiple submitters, no conflicts (2 of 4 stars). 3 submissions from 3 submitters: Uncertain significance (3). Last evaluated 2025-11-17.

Conditions:
Hereditary cancer-predisposing syndrome. Also called: Neoplastic Syndromes, Hereditary; Tumor predisposition; Hereditary Cancer Syndrome; Hereditary neoplastic syndrome. Identifiers: Orphanet 140162, MedGen C0027672, MeSH D009386, MONDO:0015356.
Oligodontia-cancer predisposition syndrome. Also called: TOOTH AGENESIS-COLORECTAL CANCER SYNDROME. Identifiers: Orphanet 300576, MedGen C1837750, MONDO:0012075, OMIM 608615. Disease mechanism: loss of function.

Allele frequency attached by ClinVar (database versions not stated): gnomAD exomes 0.00001; ExAC 0.00002.
gnomAD v4.1: 11 of 1,613,892 alleles (0.00068%); highest among the groups gnomAD compares: Non-Finnish European, 0.00068%; no homozygotes.

Submissions (3):

Labcorp Genetics (formerly Invitae), Labcorp
Classification: Uncertain significance for Oligodontia-cancer predisposition syndrome. Last evaluated: 2025-11-17. Review status: criteria provided, single submitter. Criteria: Invitae Variant Classification Sherloc (09022015). Collection method: clinical testing. Allele origin: germline.
Comment: This sequence change replaces threonine, which is neutral and polar, with asparagine, which is neutral and polar, at codon 33 of the AXIN2 protein (p.Thr33Asn). This variant is present in population databases (rs771093792, gnomAD 0.002%). This variant has not been reported in the literature in individuals affected with AXIN2-related conditions. ClinVar contains an entry for this variant (Variation ID: 648705). Invitae Evidence Modeling of protein sequence and biophysical properties (such as structural, functional, and spatial information, amino acid conservation, physicochemical variation, residue mobility, and thermodynamic stability) indicates that this missense variant is not expected to disrupt AXIN2 protein function with a negative predictive value of 80%. In summary, the available evidence is currently insufficient to determine the role of this variant in disease. Therefore, it has been classified as a Variant of Uncertain Significance.

Ambry Genetics
Classification: Uncertain significance for Hereditary cancer-predisposing syndrome. Last evaluated: 2023-07-21. Review status: criteria provided, single submitter. Criteria: Ambry Variant Classification Scheme 2023. Collection method: clinical testing. Allele origin: germline.
Comment: The p.T33N variant (also known as c.98C>A), located in coding exon 1 of the AXIN2 gene, results from a C to A substitution at nucleotide position 98. The threonine at codon 33 is replaced by asparagine, an amino acid with similar properties. This amino acid position is well conserved in available vertebrate species. In addition, this alteration is predicted to be tolerated by in silico analysis. Since supporting evidence is limited at this time, the clinical significance of this alteration remains unclear.

GeneDx
Classification: Uncertain significance. Last evaluated: 2022-07-29. Review status: criteria provided, single submitter. Criteria: GeneDx Variant Classification Process June 2021. Collection method: clinical testing. Allele origin: germline. Affected: yes.
Comment: Not observed at significant frequency in large population cohorts (gnomAD); In silico analysis supports that this missense variant does not alter protein structure/function; Has not been previously published as pathogenic or benign to our knowledge

NM_004655.4(AXIN2):c.98C>A (p.Thr33Asn)

Gene: AXIN2 (axin 2; minus strand). Cytogenetic location: 17q24.1.
Variant type: single nucleotide variant.
Coding change: c.98C>A on transcript NM_004655.4 (MANE Select); coding-DNA position 98, C replaced by A.
Protein change: p.Thr33Asn; replaces threonine 33 with asparagine.
Molecular consequence: missense variant.
Genome position (GRCh38, 1-based): chr17:65,558,523, G>T on the plus strand (C>A on the coding strand, the complement: AXIN2 is on the minus strand). VCF-style: chr17-65558523-G-T. GRCh37 (hg19) VCF-style: chr17-63554641-G-T.
Other names: c.98C>A, p.Thr33Asn (NM_001363813.1); c.98C>A (LRG_296t1); short protein forms T33N.
Identifiers: ClinVar variation 648705 (VCV000648705.14), dbSNP rs771093792, ClinGen allele CA8719106.